The following is an entry in ClinVar:

ClinVar aggregate classification (germline): Pathogenic (0 of 4 stars; one submission).

Conditions:
AHDC1-related intellectual disability - obstructive sleep apnea - mild dysmorphism syndrome. Also called: Xia-Gibbs syndrome. Identifiers: Orphanet 412069, MedGen C4014419, MONDO:0014358, OMIM 615829.

Submission:

Clinical Genomics Laboratory, Stanford Medicine
Classification: Pathogenic for AHDC1-related intellectual disability - obstructive sleep apnea - mild dysmorphism syndrome. Last evaluated: 2018-11-07. Review status: no assertion criteria provided. Collection method: clinical testing. Allele origin: germline. Inheritance: Autosomal dominant inheritance. Affected: yes.
Comment: The variant has not been previously reported in association with disease and was absent from large population databases, including the Genome Aggregation Database. The p.Ser484Ilefs*33 variant results in 1bp duplication, which causes a shift in the protein reading frame, leading to a premature termination codon 33 amino acids downstream. Heterozygous premature truncation is an established mechanism of disease for the AHDC1 gene. These data were assessed using the ACMG/AMP variant interpretation guidelines, and in summary, there is sufficient evidence to classify the p.Ser484Ilefs*33 variant as pathogenic for XiaGibbs syndrome based on the information above. [ACMG evidence codes used: PVS1, PS2, PM2]

NM_001371928.1(AHDC1):c.1448dup (p.Ser484fs)

Gene: AHDC1 (AT-hook DNA binding motif containing 1; minus strand). Cytogenetic location: 1p36.11.
Variant type: Duplication.
Coding change: c.1448dup on transcript NM_001371928.1 (MANE Select); coding-DNA position 1448, one base duplicated (T; older notation c.1448dupT).
Protein change: p.Ser484fs; shifts the reading frame from serine 484.
Molecular consequence: frameshift variant.
Genome position (GRCh38, 1-based): chr1:27,550,668, A duplicated on the plus strand (T on the coding strand, the reverse complement: AHDC1 is on the minus strand). VCF-style (leftmost placement, unchanged base first): chr1-27550667-T-TA. GRCh37 (hg19) VCF-style: chr1-27877178-T-TA.
Other names: c.1448dupT (NM_001029882.3); c.1448dup, p.Ser484fs (NM_001029882.3); short protein forms S484fs.
Identifiers: ClinVar variation 975836 (VCV000975836.1), dbSNP rs2019488878, ClinGen allele CA1139656041.
Genomic context (GRCh38, chr1:27,550,667, plus strand): 5'-GCTCAGGCTGCTGCTCAAGGAAGACACTTTGTATGTGGTCTTGTTCCGCCGCCCCAGCGA[T>TA]ACGGGGATCTTGGCCATCTTCACCACCATGCGCCGCACGCCCCGGCACTTGCCTTTGCGG-3'